The following is an entry in ClinVar:

NM_145207.3(AFG2A):c.1484T>C (p.Val495Ala)

Gene: AFG2A (AFG2 AAA ATPase homolog A; plus strand). Cytogenetic location: 4q28.1.
Variant type: single nucleotide variant.
Coding change: c.1484T>C on transcript NM_145207.3 (MANE Select); coding-DNA position 1484, T replaced by C.
Protein change: p.Val495Ala; replaces valine 495 with alanine.
Molecular consequence: missense variant.
Genome position (GRCh38, 1-based): chr4:122,947,258, T>C. VCF-style: chr4-122947258-T-C. GRCh37 (hg19) VCF-style: chr4-123868413-T-C.
Other names: c.1481T>C, p.Val494Ala (NM_001317799.2, NM_001345856.2); short protein forms V494A, V495A.
Identifiers: ClinVar variation 850553 (VCV000850553.2), dbSNP rs1730074710, ClinGen allele CA358108084.

ClinVar aggregate classification (germline): Uncertain significance (1 of 4 stars; one submission).

Conditions:
Microcephaly-intellectual disability-sensorineural hearing loss-epilepsy-abnormal muscle tone syndrome (NEDHSB). Also called: NEURODEVELOPMENTAL DISORDER WITH HEARING LOSS, SEIZURES, AND BRAIN ABNORMALITIES. Identifiers: Orphanet 457351, MedGen C4225276, MONDO:0014698, OMIM 616577.

Allele frequency attached by ClinVar (database versions not stated): gnomAD exomes 0.00001.
gnomAD v4.1: 5 of 1,610,902 alleles (0.00031%); highest among the groups gnomAD compares: Non-Finnish European, 0.00042%; no homozygotes.

Submission:

Labcorp Genetics (formerly Invitae), Labcorp
Classification: Uncertain significance for Microcephaly-intellectual disability-sensorineural hearing loss-epilepsy-abnormal muscle tone syndrome. Last evaluated: 2019-04-08. Review status: criteria provided, single submitter. Criteria: Invitae Variant Classification Sherloc (09022015). Collection method: clinical testing. Allele origin: germline.
Comment: This sequence change replaces valine with alanine at codon 495 of the SPATA5 protein (p.Val495Ala). The valine residue is highly conserved and there is a small physicochemical difference between valine and alanine. This variant is not present in population databases (ExAC no frequency). This variant has not been reported in the literature in individuals with SPATA5-related conditions. Algorithms developed to predict the effect of missense changes on protein structure and function (SIFT, PolyPhen-2, Align-GVGD) all suggest that this variant is likely to be disruptive, but these predictions have not been confirmed by published functional studies and their clinical significance is uncertain. In summary, the available evidence is currently insufficient to determine the role of this variant in disease. Therefore, it has been classified as a Variant of Uncertain Significance.